The following is an entry in ClinVar:

NM_002608.4(PDGFB):c.152A>G (p.Asp51Gly)

Gene: PDGFB (platelet derived growth factor subunit B; minus strand). Cytogenetic location: 22q13.1.
Variant type: single nucleotide variant.
Coding change: c.152A>G on transcript NM_002608.4 (MANE Select); coding-DNA position 152, A replaced by G.
Protein change: p.Asp51Gly; replaces aspartic acid 51 with glycine.
Molecular consequence: missense variant.
Genome position (GRCh38, 1-based): chr22:39,235,786, T>C on the plus strand (A>G on the coding strand, the complement: PDGFB is on the minus strand). VCF-style: chr22-39235786-T-C. GRCh37 (hg19) VCF-style: chr22-39631791-T-C.
Other names: c.107A>G, p.Asp36Gly (NM_033016.3); short protein forms D36G, D51G.
Identifiers: ClinVar variation 2630754 (VCV002630754.1), dbSNP rs2517767527, ClinGen allele CA411602950.

ClinVar aggregate classification (germline): Uncertain significance (1 of 4 stars; one submission).

Conditions:
PDGFB-related disorder. Also called: PDGFB-related condition.

Allele frequency attached by ClinVar (database versions not stated): gnomAD exomes below 0.00001.
gnomAD v4.1: 2 of 1,612,620 alleles (0.00012%); highest among the groups gnomAD compares: South Asian, 0.0022%; no homozygotes.

Submission:

PreventionGenetics, part of Exact Sciences
Classification: Uncertain significance for PDGFB-related condition. Last evaluated: 2023-09-21. Review status: criteria provided, single submitter. Criteria: ACMG Guidelines, 2015. Collection method: clinical testing. Allele origin: germline.
Comment: The PDGFB c.152A>G variant is predicted to result in the amino acid substitution p.Asp51Gly. To our knowledge, this variant has not been reported in the literature or in a large population database, indicating this variant is rare. At this time, the clinical significance of this variant is uncertain due to the absence of conclusive functional and genetic evidence.